The following is an entry in ClinVar:

ClinVar aggregate classification (germline): Uncertain significance (1 of 4 stars; one submission).

Conditions:
Hereditary cancer-predisposing syndrome. Also called: Neoplastic Syndromes, Hereditary; Tumor predisposition; Hereditary Cancer Syndrome; Hereditary neoplastic syndrome. Identifiers: Orphanet 140162, MedGen C0027672, MeSH D009386, MONDO:0015356.

Submission:

Ambry Genetics
Classification: Uncertain significance for Hereditary cancer-predisposing syndrome. Last evaluated: 2025-12-22. Review status: criteria provided, single submitter. Criteria: Ambry Variant Classification Scheme 2023. Collection method: clinical testing. Allele origin: germline.
Comment: The p.K1503N variant (also known as c.4509G>C), located in coding exon 30 of the SMARCA4 gene, results from a G to C substitution at nucleotide position 4509. The lysine at codon 1503 is replaced by asparagine, an amino acid with similar properties. This amino acid position is conserved. In addition, this alteration is predicted to be tolerated by in silico analysis. Based on the available evidence, the clinical significance of this variant remains unclear.

NM_003072.5(SMARCA4):c.4413G>C (p.Lys1471Asn)

Gene: SMARCA4 (SWI/SNF related BAF chromatin remodeling complex subunit ATPase 4; plus strand). Cytogenetic location: 19p13.2.
Variant type: single nucleotide variant.
Coding change: c.4413G>C on transcript NM_003072.5 (MANE Select); coding-DNA position 4413, G replaced by C.
Protein change: p.Lys1471Asn; replaces lysine 1471 with asparagine.
Molecular consequence: missense variant. On other transcripts: non-coding transcript variant (1).
Genome position (GRCh38, 1-based): chr19:11,041,549, G>C. VCF-style: chr19-11041549-G-C. GRCh37 (hg19) VCF-style: chr19-11152225-G-C.
Other names: c.4413G>C, p.Lys1471Asn (NM_001128844.3); c.4323G>C, p.Lys1441Asn (NM_001128845.2, NM_001128846.2); c.4314G>C, p.Lys1438Asn (NM_001128847.4, NM_001128848.2, NM_001374457.1); c.4509G>C, p.Lys1503Asn (NM_001128849.3, NM_001387283.1); c.4410G>C, p.Lys1470Asn (NM_001411150.1); short protein forms K1438N, K1441N, K1471N, K1470N, K1503N.
Identifiers: ClinVar variation 4843567 (VCV004843567.1).